The following is an entry in ClinVar:

NM_001374828.1(ARID1B):c.4894G>A (p.Glu1632Lys)

Gene: ARID1B (AT-rich interaction domain 1B; plus strand). Cytogenetic location: 6q25.3.
Variant type: single nucleotide variant.
Coding change: c.4894G>A on transcript NM_001374828.1 (MANE Select); coding-DNA position 4894, G replaced by A.
Protein change: p.Glu1632Lys; replaces glutamic acid 1632 with lysine.
Molecular consequence: missense variant.
Genome position (GRCh38, 1-based): chr6:157,201,119, G>A. VCF-style: chr6-157201119-G-A. GRCh37 (hg19) VCF-style: chr6-157522253-G-A.
Other names: c.4525G>A (NM_020732.3); c.2395G>A, p.Glu799Lys (NM_001363725.2); c.4774G>A, p.Glu1592Lys (NM_001371656.1, NM_001374820.1); c.4735G>A, p.Glu1579Lys (NM_017519.3); short protein forms E1592K, E1632K, E799K, E1579K.
Identifiers: ClinVar variation 931887 (VCV000931887.6), dbSNP rs1340183572, ClinGen allele CA366242040.

ClinVar aggregate classification (germline): Uncertain significance. Review status: criteria provided, multiple submitters, no conflicts (2 of 4 stars). 2 submissions from 2 submitters: Uncertain significance (2). Last evaluated 2024-03-16.

Conditions:
Coffin-Siris syndrome 1 (CSS1). Also called: Mental retardation, autosomal dominant 12; ARID1B-Related Coffin-Siris Syndrome. Identifiers: Orphanet 1465, MedGen C3281201, MONDO:0007617, OMIM 135900. Disease mechanism: gain of function.

Allele frequency attached by ClinVar (database versions not stated): gnomAD exomes below 0.00001 and 0.00001.
gnomAD v4.1: 3 of 1,614,154 alleles (0.00019%); highest among the groups gnomAD compares: South Asian, 0.0011%; no homozygotes.

Submissions (2):

Labcorp Genetics (formerly Invitae), Labcorp
Classification: Uncertain significance. Last evaluated: 2024-03-16. Review status: criteria provided, single submitter. Criteria: Invitae Variant Classification Sherloc (09022015). Collection method: clinical testing. Allele origin: germline.
Comment: This sequence change replaces glutamic acid, which is acidic and polar, with lysine, which is basic and polar, at codon 1509 of the ARID1B protein (p.Glu1509Lys). This variant is present in population databases (no rsID available, gnomAD 0.0009%). This variant has not been reported in the literature in individuals affected with ARID1B-related conditions. ClinVar contains an entry for this variant (Variation ID: 931887). Advanced modeling of protein sequence and biophysical properties (such as structural, functional, and spatial information, amino acid conservation, physicochemical variation, residue mobility, and thermodynamic stability) has been performed at Invitae for this missense variant, however the output from this modeling did not meet the statistical confidence thresholds required to predict the impact of this variant on ARID1B protein function. In summary, the available evidence is currently insufficient to determine the role of this variant in disease. Therefore, it has been classified as a Variant of Uncertain Significance.

Centre for Mendelian Genomics, University Medical Centre Ljubljana
Classification: Uncertain significance for Coffin-Siris syndrome 1. Last evaluated: 2019-04-18. Review status: criteria provided, single submitter. Criteria: ACMG Guidelines, 2015. Collection method: clinical testing. Allele origin: unknown. Affected: yes.
Comment: This variant was classified as: Uncertain significance. The available evidence on this variant's pathogenicity is insufficient or conflicting. The following ACMG criteria were applied in classifying this variant: BP1.